The following is an entry in ClinVar:

NM_177402.5(SYT2):c.1126G>A (p.Val376Met)

Gene: SYT2 (synaptotagmin 2; minus strand). Cytogenetic location: 1q32.1.
Variant type: single nucleotide variant.
Coding change: c.1126G>A on transcript NM_177402.5 (MANE Select); coding-DNA position 1126, G replaced by A.
Protein change: p.Val376Met; replaces valine 376 with methionine.
Molecular consequence: missense variant.
Genome position (GRCh38, 1-based): chr1:202,596,891, C>T on the plus strand (G>A on the coding strand, the complement: SYT2 is on the minus strand). VCF-style: chr1-202596891-C-T. GRCh37 (hg19) VCF-style: chr1-202566019-C-T.
Other names: c.1126G>A, p.Val376Met (NM_001136504.1); short protein forms V376M.
Identifiers: ClinVar variation 3617566 (VCV003617566.2).

ClinVar aggregate classification (germline): Uncertain significance (1 of 4 stars; one submission).

gnomAD v4.1: 4 of 1,614,090 alleles (0.00025%); highest among the groups gnomAD compares: Non-Finnish European, 0.00034%; no homozygotes.

Submission:

Labcorp Genetics (formerly Invitae), Labcorp
Classification: Uncertain significance. Last evaluated: 2024-05-06. Review status: criteria provided, single submitter. Criteria: Invitae Variant Classification Sherloc (09022015). Collection method: clinical testing. Allele origin: germline.
Comment: This sequence change replaces valine, which is neutral and non-polar, with methionine, which is neutral and non-polar, at codon 376 of the SYT2 protein (p.Val376Met). This variant is present in population databases (no rsID available, gnomAD 0.0009%). This variant has not been reported in the literature in individuals affected with SYT2-related conditions. Advanced modeling of protein sequence and biophysical properties (such as structural, functional, and spatial information, amino acid conservation, physicochemical variation, residue mobility, and thermodynamic stability) performed at Invitae indicates that this missense variant is not expected to disrupt SYT2 protein function with a negative predictive value of 80%. In summary, the available evidence is currently insufficient to determine the role of this variant in disease. Therefore, it has been classified as a Variant of Uncertain Significance.